The following is an entry in ClinVar:

NM_000051.4(ATM):c.5256T>C (p.Ile1752=)

Gene: ATM (ATM serine/threonine kinase; plus strand). Cytogenetic location: 11q22.3.
Variant type: single nucleotide variant.
Coding change: c.5256T>C on transcript NM_000051.4 (MANE Select); coding-DNA position 5256, T replaced by C.
Protein change: p.Ile1752=; no amino-acid change (isoleucine 1752 retained).
Molecular consequence: synonymous variant.
Genome position (GRCh38, 1-based): chr11:108,301,726, T>C. VCF-style: chr11-108301726-T-C. GRCh37 (hg19) VCF-style: chr11-108172453-T-C.
Other names: c.5256T>C, p.Ile1752= (NM_001351834.2).
Identifiers: ClinVar variation 481104 (VCV000481104.16), dbSNP rs1555105718, ClinGen allele CA476674795.

ClinVar aggregate classification (germline): Benign/Likely benign. Review status: criteria provided, multiple submitters, no conflicts (2 of 4 stars). 4 submissions from 4 submitters: Benign (1); Likely benign (3). Last evaluated 2024-05-22.

Conditions:
Hereditary cancer-predisposing syndrome. Also called: Hereditary neoplastic syndrome; Neoplastic Syndromes, Hereditary; Tumor predisposition; Hereditary Cancer Syndrome. Identifiers: Orphanet 140162, MedGen C0027672, MeSH D009386, MONDO:0015356.
Familial cancer of breast. Also called: BREAST CANCER, FAMILIAL; Hereditary breast cancer; hereditary breast carcinoma. Identifiers: Orphanet 227535, MedGen C0346153, MONDO:0016419, OMIM 114480. Disease mechanism: loss of function.
Ataxia-telangiectasia syndrome (AT). Also called: LOUIS-BAR SYNDROME; Cerebello-oculocutaneous telangiectasia; Immunodeficiency with ataxia telangiectasia; AT, COMPLEMENTATION GROUP C; Ataxia-telangiectasia, complementation group D; ATAXIA-TELANGIECTASIA, COMPLEMENTATION GROUP A. Identifiers: Orphanet 100, MedGen C0004135, MONDO:0008840, OMIM 208900.

gnomAD v4.1: 3 of 1,613,728 alleles (0.00019%); highest among the groups gnomAD compares: Non-Finnish European, 0.00017%; no homozygotes.

Submissions (4):

Myriad Genetics, Inc.
Classification: Benign for Familial cancer of breast. Last evaluated: 2024-05-22. Review status: criteria provided, single submitter. Criteria: Myriad Autosomal Dominant, Autosomal Recessive and X-Linked Classification Criteria (2023). Collection method: clinical testing. Allele origin: unknown.
Comment: This variant is considered benign. This variant is a silent/synonymous amino acid change and it is not expected to impact splicing.

Labcorp Genetics (formerly Invitae), Labcorp
Classification: Likely benign for Ataxia-telangiectasia syndrome. Last evaluated: 2023-11-01. Review status: criteria provided, single submitter. Criteria: Invitae Variant Classification Sherloc (09022015). Collection method: clinical testing. Allele origin: germline.

Color Diagnostics, LLC DBA Color Health
Classification: Likely benign for Hereditary cancer-predisposing syndrome. Last evaluated: 2017-11-26. Review status: criteria provided, single submitter. Criteria: ACMG Guidelines, 2015. Collection method: clinical testing. Allele origin: germline.

Ambry Genetics
Classification: Likely benign for Hereditary cancer-predisposing syndrome. Last evaluated: 2016-10-28. Review status: criteria provided, single submitter. Criteria: Ambry Variant Classification Scheme 2023. Collection method: clinical testing. Allele origin: germline.